The following is an entry in ClinVar:

ClinVar aggregate classification (germline): Uncertain significance (1 of 4 stars; one submission).

Conditions:
Adenylosuccinate lyase deficiency (ADSLD). Also called: ADSL DEFICIENCY. Identifiers: Orphanet 46, MedGen C0268126, MONDO:0007068, OMIM 103050.

Allele frequency attached by ClinVar (database versions not stated): gnomAD 0.00001; TOPMed 0.00002.

Submission:

Labcorp Genetics (formerly Invitae), Labcorp
Classification: Uncertain significance for Adenylosuccinate lyase deficiency. Last evaluated: 2022-07-09. Review status: criteria provided, single submitter. Criteria: Invitae Variant Classification Sherloc (09022015). Collection method: clinical testing. Allele origin: germline.
Comment: In summary, the available evidence is currently insufficient to determine the role of this variant in disease. Therefore, it has been classified as a Variant of Uncertain Significance. Experimental studies and prediction algorithms are not available or were not evaluated, and the functional significance of this variant is currently unknown. This variant has not been reported in the literature in individuals affected with ADSL-related conditions. This variant is not present in population databases (gnomAD no frequency). This variant occurs in a non-coding region of the ADSL gene. It does not change the encoded amino acid sequence of the ADSL protein.

NC_000022.11:g.40345669C>T

Gene: ADSL (adenylosuccinate lyase; plus strand). Cytogenetic location: 22q13.1.
Variant type: single nucleotide variant.
Genome position: GRCh38 VCF-style: chr22-40345669-C-T. GRCh37 (hg19) VCF-style: chr22-40741673-C-T.
Identifiers: ClinVar variation 1357751 (VCV001357751.4), dbSNP rs1386791712, ClinGen allele CA753179616.